The following is an entry in ClinVar:

NM_001367868.2(PLIN4):c.1392T>C (p.Gly464=)

Gene: PLIN4 (perilipin 4; minus strand). Cytogenetic location: 19p13.3.
Variant type: single nucleotide variant.
Coding change: c.1392T>C on transcript NM_001367868.2 (MANE Select); coding-DNA position 1392, T replaced by C.
Protein change: p.Gly464=; no amino-acid change (glycine 464 retained).
Molecular consequence: synonymous variant.
Genome position (GRCh38, 1-based): chr19:4,512,568, A>G on the plus strand (T>C on the coding strand, the complement: PLIN4 is on the minus strand). VCF-style: chr19-4512568-A-G. GRCh37 (hg19) VCF-style: chr19-4512580-A-G.
Other names: c.1395T>C, p.Gly465= (NM_001393888.1, NM_001393889.1); c.1392T>C, p.Gly464= (NM_001393890.1, NM_001393891.1).
Identifiers: ClinVar variation 2649053 (VCV002649053.24), dbSNP rs1433069049, ClinGen allele CA505169475.
Genomic context (GRCh38, chr19:4,512,568, plus strand): 5'-GACGGCCCCTTTGGCCACATTCGCAGCACCGGTGACCCCACTGCAGACAGTGTCCTTGGT[A>G]CCAGTTAGAACGATCTTGGTGGTGTCCACGCCTGTCTGGATGGTTCCTCTGGCCAAATTC-3'
Protein context (NP_001354797.1, residues 454-474): GVDTTKIVLT[Gly464=]TKDTVCSGVT

ClinVar aggregate classification (germline): Likely benign (1 of 4 stars; one submission).

Allele frequency attached by ClinVar (database versions not stated): gnomAD exomes 0.00003.

Submission:

CeGaT Center for Human Genetics Tuebingen
Classification: Likely benign. Last evaluated: 2023-04-01. Review status: criteria provided, single submitter. Criteria: CeGaT Center For Human Genetics Tuebingen Variant Classification Criteria Version 2. Collection method: clinical testing. Allele origin: germline. Affected: yes. Observed: 1 variant allele.
Comment: PLIN4: BP4, BP7